The following is an entry in ClinVar:

NM_000051.4(ATM):c.6808C>T (p.Leu2270Phe)

Genes: ATM (ATM serine/threonine kinase; plus strand), C11orf65 (chromosome 11 open reading frame 65; minus strand). Cytogenetic location: 11q22.3.
Variant type: single nucleotide variant.
Coding change: c.6808C>T on transcript NM_000051.4 (MANE Select); coding-DNA position 6808, C replaced by T.
Protein change: p.Leu2270Phe; replaces leucine 2270 with phenylalanine.
Molecular consequence: missense variant. On other transcripts: intron variant (2).
Genome position (GRCh38, 1-based): chr11:108,326,058, C>T. VCF-style: chr11-108326058-C-T. GRCh37 (hg19) VCF-style: chr11-108196785-C-T.
Other names: c.6808C>T, p.Leu2270Phe (NM_001351834.2); c.641-16987G>A (NM_001330368.2); c.*38+9162G>A (NM_001351110.2); short protein forms L2270F.
Identifiers: ClinVar variation 1449885 (VCV001449885.8), dbSNP rs2085645038, ClinGen allele CA382556426.
Genomic context (GRCh38, chr11:108,326,058, plus strand): 5'-ATTCATGGTAGTAGTATCAGTAGTAAAAGTATTTATTCCCATATGTCATTTTCATTTCAG[C>T]TCCCTGAAAGGGCAATATTTCAAATTAAACAGTACAATTCAGTTAGCTGTGGAGTCTCTG-3'
Protein context (NP_000042.3, residues 2260-2280): ILARTFKNTQ[Leu2270Phe]PERAIFQIKQ

ClinVar aggregate classification (germline): Uncertain significance (1 of 4 stars; one submission).

Conditions:
Ataxia-telangiectasia syndrome (AT). Also called: Ataxia-telangiectasia; LOUIS-BAR SYNDROME; Ataxia-telangiectasia, complementation group D; AT, COMPLEMENTATION GROUP C; ATAXIA-TELANGIECTASIA, COMPLEMENTATION GROUP A; ATAXIA-TELANGIECTASIA, FRESNO VARIANT. Identifiers: Orphanet 100, MedGen C0004135, MONDO:0008840, OMIM 208900.

Allele frequency attached by ClinVar (database versions not stated): TOPMed 0.00001.

Submission:

Labcorp Genetics (formerly Invitae), Labcorp
Classification: Uncertain significance for Ataxia-telangiectasia syndrome. Last evaluated: 2022-03-01. Review status: criteria provided, single submitter. Criteria: Invitae Variant Classification Sherloc (09022015). Collection method: clinical testing. Allele origin: germline.
Comment: In summary, the available evidence is currently insufficient to determine the role of this variant in disease. Therefore, it has been classified as a Variant of Uncertain Significance. Algorithms developed to predict the effect of missense changes on protein structure and function are either unavailable or do not agree on the potential impact of this missense change (SIFT: "Deleterious"; PolyPhen-2: "Probably Damaging"; Align-GVGD: "Class C0"). This variant has not been reported in the literature in individuals affected with ATM-related conditions. This variant is not present in population databases (gnomAD no frequency). This sequence change replaces leucine, which is neutral and non-polar, with phenylalanine, which is neutral and non-polar, at codon 2270 of the ATM protein (p.Leu2270Phe).